The following is an entry in ClinVar:

NM_004519.4(KCNQ3):c.*6632T>C

Gene: KCNQ3 (potassium voltage-gated channel subfamily Q member 3; minus strand). Cytogenetic location: 8q24.22.
Variant type: single nucleotide variant.
Coding change: c.*6632T>C on transcript NM_004519.4 (MANE Select); 6632 bases downstream of the stop codon, T replaced by C.
Molecular consequence: 3 prime UTR variant.
Genome position (GRCh38, 1-based): chr8:132,122,630, A>G on the plus strand (T>C on the coding strand, the complement: KCNQ3 is on the minus strand). VCF-style: chr8-132122630-A-G. GRCh37 (hg19) VCF-style: chr8-133134877-A-G.
Other names: c.*6632T>C (NM_001204824.2).
Identifiers: ClinVar variation 361770 (VCV000361770.7), dbSNP rs9297840, ClinGen allele CA10627000.

ClinVar aggregate classification (germline): Benign. Review status: criteria provided, multiple submitters, no conflicts (2 of 4 stars). 2 submissions from 2 submitters: Benign (2). Last evaluated 2018-01-12.

Conditions:
Seizures, benign familial neonatal, 2. Also called: CONVULSIONS, BENIGN FAMILIAL NEONATAL, 2; KCNQ3-Related Self-Limited Familial Neonatal Epilepsy (SLFNE); Benign Neonatal Epilepsy 2; KCNQ3-Related Benign Familial Neonatal Epilepsy; Seizures, benign neonatal, 2. Identifiers: Orphanet 1949, MedGen C1852581, MONDO:0007366, OMIM 121201.

Allele frequency attached by ClinVar (database versions not stated): 1000 Genomes Project 0.26558; 1000 Genomes Project 30x 0.26624; gnomAD 0.26041 and 0.26479; TOPMed 0.26061.

Submissions (2):

Illumina Laboratory Services, Illumina
Classification: Benign for Seizures, benign familial neonatal, 2. Last evaluated: 2018-01-12. Review status: criteria provided, single submitter. Criteria: ICSL Variant Classification Criteria 13 December 2019. Collection method: clinical testing. Allele origin: germline.
Comment: This variant was observed in the ICSL laboratory as part of a predisposition screen in an ostensibly healthy population. It had not been previously curated by ICSL or reported in the Human Gene Mutation Database (HGMD: prior to June 1st, 2018), and was therefore a candidate for classification through an automated scoring system. Utilizing variant allele frequency, disease prevalence and penetrance estimates, and inheritance mode, an automated score was calculated to assess if this variant is too frequent to cause the disease. Based on the score and internal cut-off values, a variant classified as benign is not then subjected to further curation. The score for this variant resulted in a classification of benign for this disease.

Breakthrough Genomics
Classification: Benign. Review status: criteria provided, single submitter. Criteria: ACMG Guidelines, 2015. Collection method: not provided. Allele origin: germline. Inheritance: Autosomal dominant inheritance. Affected: yes.